The following is an entry in ClinVar:

NM_007186.6(CEP250):c.7234C>T (p.Arg2412Cys)

Gene: CEP250 (centrosomal protein 250; plus strand). Cytogenetic location: 20q11.22.
Variant type: single nucleotide variant.
Coding change: c.7234C>T on transcript NM_007186.6 (MANE Select); coding-DNA position 7234, C replaced by T.
Protein change: p.Arg2412Cys; replaces arginine 2412 with cysteine.
Molecular consequence: missense variant.
Genome position (GRCh38, 1-based): chr20:35,511,531, C>T. VCF-style: chr20-35511531-C-T. GRCh37 (hg19) VCF-style: chr20-34099360-C-T.
Other names: c.5338C>T, p.Arg1780Cys (NM_001318219.1); short protein forms R1780C, R2412C.
Identifiers: ClinVar variation 1400791 (VCV001400791.7), dbSNP rs369255727, ClinGen allele CA9834269.
Genomic context (GRCh38, chr20:35,511,531, plus strand): 5'-TCACACTCACTTCTTGCCGTGGCCCAGGCCCCTGAGGCCACTGTCCTGGAGGCAGAGACC[C>T]GCAGGCTGGATGAGTCCCTGACTCAAAGTCTGACATCCCCAGGGCCAGTCCTGCTACACC-3'
Protein context (NP_009117.2, residues 2402-2422): PEATVLEAET[Arg2412Cys]RLDESLTQSL

ClinVar aggregate classification (germline): Uncertain significance. Review status: criteria provided, multiple submitters, no conflicts (2 of 4 stars). 2 submissions from 2 submitters: Uncertain significance (2). Last evaluated 2024-03-26.

Allele frequency attached by ClinVar (database versions not stated): ExAC 0.00002.
gnomAD v4.1: 15 of 1,613,992 alleles (0.00093%); highest among the groups gnomAD compares: Admixed American, 0.012%; no homozygotes.

Submissions (2):

Labcorp Genetics (formerly Invitae), Labcorp
Classification: Uncertain significance. Last evaluated: 2024-03-26. Review status: criteria provided, single submitter. Criteria: Invitae Variant Classification Sherloc (09022015). Collection method: clinical testing. Allele origin: germline.
Comment: This sequence change replaces arginine, which is basic and polar, with cysteine, which is neutral and slightly polar, at codon 2412 of the CEP250 protein (p.Arg2412Cys). This variant is present in population databases (rs369255727, gnomAD 0.01%). This variant has not been reported in the literature in individuals affected with CEP250-related conditions. ClinVar contains an entry for this variant (Variation ID: 1400791). An algorithm developed to predict the effect of missense changes on protein structure and function (PolyPhen-2) suggests that this variant is likely to be disruptive. In summary, the available evidence is currently insufficient to determine the role of this variant in disease. Therefore, it has been classified as a Variant of Uncertain Significance.

Blueprint Genetics
Classification: Uncertain significance. Last evaluated: 2022-09-30. Review status: criteria provided, single submitter. Criteria: ACMG Guidelines, 2015. Collection method: clinical testing. Allele origin: germline.